The following is an entry in ClinVar:

NM_005186.4(CAPN1):c.1176G>A (p.Trp392Ter)

Gene: CAPN1 (calpain 1; plus strand). Cytogenetic location: 11q13.1.
Variant type: single nucleotide variant.
Coding change: c.1176G>A on transcript NM_005186.4 (MANE Select); coding-DNA position 1176, G replaced by A.
Protein change: p.Trp392Ter; replaces tryptophan 392 with a stop codon.
Molecular consequence: nonsense. On other transcripts: non-coding transcript variant (1).
Genome position (GRCh38, 1-based): chr11:65,204,693, G>A. VCF-style: chr11-65204693-G-A. GRCh37 (hg19) VCF-style: chr11-64972164-G-A.
Other names: c.1176G>A, p.Trp392Ter (NM_001198868.2, NM_001198869.2); short protein forms W392*.
Identifiers: ClinVar variation 802687 (VCV000802687.9), dbSNP rs756830713, ClinGen allele CA6093326.
Genomic context (GRCh38, chr11:65,204,693, plus strand): 5'-TGGCTCTGCCCCGCCCTGCCTCTGATCCCCGCCTCCTCACCTGCCCGCAGCCACCTTCTG[G>A]GTGAACCCTCAGTTCAAGATCCGGCTGGATGAGACGGATGACCCGGACGACTACGGGGAC-3'

ClinVar aggregate classification (germline): Pathogenic. Review status: criteria provided, multiple submitters, no conflicts (2 of 4 stars). 4 submissions from 4 submitters: Pathogenic (4). Last evaluated 2023-05-23.

Conditions:
Autosomal recessive spastic paraplegia type 76. Identifiers: Orphanet 488594, MedGen C5567483, MONDO:0014827, OMIM 616907.

Allele frequency attached by ClinVar (database versions not stated): gnomAD exomes below 0.00001; ExAC 0.00001; gnomAD 0.00001.
gnomAD v4.1: 4 of 1,611,796 alleles (0.00025%); highest among the groups gnomAD compares: Admixed American, 0.0017%; no homozygotes.

Submissions (4):

Labcorp Genetics (formerly Invitae), Labcorp
Classification: Pathogenic. Last evaluated: 2023-05-23. Review status: criteria provided, single submitter. Criteria: Invitae Variant Classification Sherloc (09022015). Collection method: clinical testing. Allele origin: germline.
Comment: This sequence change creates a premature translational stop signal (p.Trp392*) in the CAPN1 gene. It is expected to result in an absent or disrupted protein product. Loss-of-function variants in CAPN1 are known to be pathogenic (PMID: 27153400, 27320912). This variant is not present in population databases (gnomAD no frequency). This premature translational stop signal has been observed in individual(s) with hereditary spastic paraplegia (PMID: 29379883, 30198554). ClinVar contains an entry for this variant (Variation ID: 802687). For these reasons, this variant has been classified as Pathogenic.

Laboratorio de Genetica e Diagnostico Molecular, Hospital Israelita Albert Einstein
Classification: Pathogenic for Autosomal recessive spastic paraplegia type 76. Last evaluated: 2021-05-10. Review status: criteria provided, single submitter. Criteria: ACMG Guidelines, 2015. Collection method: clinical testing. Allele origin: germline. Affected: yes.
Comment: ACMG classification criteria: PVS1, PS4, PM2, PM3

Mendelics
Classification: Pathogenic for Autosomal recessive spastic paraplegia type 76. Last evaluated: 2019-05-28. Review status: criteria provided, single submitter. Criteria: Mendelics Assertion Criteria 2017. Collection method: clinical testing. Allele origin: unknown.

Paris Brain Institute, Inserm - ICM
Classification: Pathogenic for Autosomal recessive spastic paraplegia type 76. Review status: criteria provided, single submitter. Criteria: ACMG Guidelines, 2015. Collection method: clinical testing. Allele origin: unknown. Affected: yes. Observed: 5 variant alleles.

Literature cited by the submitters: PubMed 27153400 (cited by Labcorp Genetics (formerly Invitae), Labcorp); PubMed 27320912 (cited by Labcorp Genetics (formerly Invitae), Labcorp); PubMed 29379883 (cited by Labcorp Genetics (formerly Invitae), Labcorp); PubMed 30198554 (cited by Labcorp Genetics (formerly Invitae), Labcorp); PubMed 33486633 (cited by Paris Brain Institute, Inserm - ICM).